The following is an entry in ClinVar:

NM_020708.5(SLC12A5):c.2226C>T (p.Cys742=)

Gene: SLC12A5 (solute carrier family 12 member 5; plus strand). Cytogenetic location: 20q13.12.
Variant type: single nucleotide variant.
Coding change: c.2226C>T on transcript NM_020708.5 (MANE Select); coding-DNA position 2226, C replaced by T.
Protein change: p.Cys742=; no amino-acid change (cysteine 742 retained).
Molecular consequence: synonymous variant.
Genome position (GRCh38, 1-based): chr20:46,051,719, C>T. VCF-style: chr20-46051719-C-T. GRCh37 (hg19) VCF-style: chr20-44680358-C-T.
Other names: p.Cys742=; c.2295C>T, p.Cys765= (NM_001134771.2).
Identifiers: ClinVar variation 4684422 (VCV004684422.1).
Genomic context (GRCh38, chr20:46,051,719, plus strand): 5'-TTTCCCCCTCCCCTAGTCTATCAGGCGCCTGATGGAGGCAGAGAAGGTGAAGGGCTTCTG[C>T]CAGGTGGTGATCTCCTCCAACTTGCGTGATGGCGTGTCCCATCTGATCCAGTCCGGGGGC-3'
Protein context (NP_065759.1, residues 732-752): LMEAEKVKGF[Cys742=]QVVISSNLRD

ClinVar aggregate classification (germline): Likely benign (1 of 4 stars; one submission).

gnomAD v4.1: 85 of 1,609,702 alleles (0.0053%); highest among the groups gnomAD compares: Non-Finnish European, 0.0071%; no homozygotes.

Submission:

Mayo Clinic Laboratories, Mayo Clinic
Classification: Likely benign. Last evaluated: 2025-01-24. Review status: criteria provided, single submitter. Criteria: ACMG Guidelines, 2015. Collection method: clinical testing. Allele origin: germline. Observed: 1 variant allele.
Comment: BP4, BP7